The following is an entry in ClinVar:

NM_004793.4(LONP1):c.2671C>T (p.Pro891Ser)

Gene: LONP1 (lon peptidase 1, mitochondrial; minus strand). Cytogenetic location: 19p13.3.
Variant type: single nucleotide variant.
Coding change: c.2671C>T on transcript NM_004793.4 (MANE Select); coding-DNA position 2671, C replaced by T.
Protein change: p.Pro891Ser; replaces proline 891 with serine.
Molecular consequence: missense variant. On other transcripts: non-coding transcript variant (1).
Genome position (GRCh38, 1-based): chr19:5,693,330, G>A on the plus strand (C>T on the coding strand, the complement: LONP1 is on the minus strand). VCF-style: chr19-5693330-G-A. GRCh37 (hg19) VCF-style: chr19-5693341-G-A.
Other names: c.2479C>T, p.Pro827Ser (NM_001276479.2); c.2083C>T, p.Pro695Ser (NM_001276480.1); short protein forms P695S, P827S, P891S.
Identifiers: ClinVar variation 2561329 (VCV002561329.6), dbSNP rs1032448118, ClinGen allele CA304607611.
Genomic context (GRCh38, chr19:5,693,330, plus strand): 5'-GCTGTGGGGTGGGTACAGGGACACTCACCGCAATGGTCTTCTCCTTGATGCCACCAACAG[G>A]CAGGATCTTGCCCGTGAGGGAGACTTCGCCAGTCATGGCCAGATTCTGCCGGACAGGCCT-3'
Protein context (NP_004784.2, residues 881-901): GEVSLTGKIL[Pro891Ser]VGGIKEKTIA

ClinVar aggregate classification (germline): Uncertain significance. Review status: criteria provided, multiple submitters, no conflicts (2 of 4 stars). 2 submissions from 2 submitters: Uncertain significance (2). Last evaluated 2025-08-14.

Conditions:
Inborn genetic diseases. Identifiers: MedGen C0950123, MeSH D030342.

Allele frequency attached by ClinVar (database versions not stated): TOPMed 0.00001; gnomAD exomes 0.00002.
gnomAD v4.1: 30 of 1,613,098 alleles (0.0019%); highest among the groups gnomAD compares: Non-Finnish European, 0.0025%; no homozygotes.

Submissions (2):

Ambry Genetics
Classification: Uncertain significance for Inborn genetic diseases. Last evaluated: 2025-08-14. Review status: criteria provided, single submitter. Criteria: Ambry Variant Classification Scheme 2023. Collection method: clinical testing. Allele origin: germline.

Labcorp Genetics (formerly Invitae), Labcorp
Classification: Uncertain significance. Last evaluated: 2024-02-22. Review status: criteria provided, single submitter. Criteria: Invitae Variant Classification Sherloc (09022015). Collection method: clinical testing. Allele origin: germline.
Comment: This sequence change replaces proline, which is neutral and non-polar, with serine, which is neutral and polar, at codon 891 of the LONP1 protein (p.Pro891Ser). This variant is present in population databases (no rsID available, gnomAD 0.0009%). This variant has not been reported in the literature in individuals affected with LONP1-related conditions. ClinVar contains an entry for this variant (Variation ID: 2561329). Advanced modeling of protein sequence and biophysical properties (such as structural, functional, and spatial information, amino acid conservation, physicochemical variation, residue mobility, and thermodynamic stability) performed at Invitae indicates that this missense variant is not expected to disrupt LONP1 protein function with a negative predictive value of 80%. In summary, the available evidence is currently insufficient to determine the role of this variant in disease. Therefore, it has been classified as a Variant of Uncertain Significance.